The following is an entry in ClinVar:

NM_004663.5(RAB11A):c.349A>G (p.Ile117Val)

Gene: RAB11A (RAB11A, member RAS oncogene family; plus strand). Cytogenetic location: 15q22.31.
Variant type: single nucleotide variant.
Coding change: c.349A>G on transcript NM_004663.5 (MANE Select); coding-DNA position 349, A replaced by G.
Protein change: p.Ile117Val; replaces isoleucine 117 with valine.
Molecular consequence: missense variant.
Genome position (GRCh38, 1-based): chr15:65,877,874, A>G. VCF-style: chr15-65877874-A-G. GRCh37 (hg19) VCF-style: chr15-66170212-A-G.
Other names: c.349A>G, p.Ile117Val (NM_001206836.2); short protein forms I117V.
Identifiers: ClinVar variation 2989882 (VCV002989882.3), dbSNP rs1190052210, ClinGen allele CA392921819.

ClinVar aggregate classification (germline): Uncertain significance (1 of 4 stars; one submission).

Allele frequency attached by ClinVar (database versions not stated): TOPMed below 0.00001; gnomAD 0.00001.
gnomAD v4.1: 1 of 1,613,484 alleles (0.000062%); highest among the groups gnomAD compares: Non-Finnish European, 0.000085%; no homozygotes.

Submission:

Labcorp Genetics (formerly Invitae), Labcorp
Classification: Uncertain significance. Last evaluated: 2023-09-18. Review status: criteria provided, single submitter. Criteria: Invitae Variant Classification Sherloc (09022015). Collection method: clinical testing. Allele origin: germline.
Comment: This sequence change replaces isoleucine, which is neutral and non-polar, with valine, which is neutral and non-polar, at codon 117 of the RAB11A protein (p.Ile117Val). This variant is not present in population databases (gnomAD no frequency). This variant has not been reported in the literature in individuals affected with RAB11A-related conditions. An algorithm developed to predict the effect of missense changes on protein structure and function (PolyPhen-2) suggests that this variant is likely to be disruptive. In summary, the available evidence is currently insufficient to determine the role of this variant in disease. Therefore, it has been classified as a Variant of Uncertain Significance.